The following is an entry in ClinVar:

NM_002528.7(NTHL1):c.836A>G (p.Gln279Arg)

Gene: NTHL1 (nth like DNA glycosylase 1; minus strand). Cytogenetic location: 16p13.3.
Variant type: single nucleotide variant.
Coding change: c.836A>G on transcript NM_002528.7 (MANE Select); coding-DNA position 836, A replaced by G.
Protein change: p.Gln279Arg; replaces glutamine 279 with arginine.
Molecular consequence: missense variant.
Genome position (GRCh38, 1-based): chr16:2,040,003, T>C on the plus strand (A>G on the coding strand, the complement: NTHL1 is on the minus strand). VCF-style: chr16-2040003-T-C. GRCh37 (hg19) VCF-style: chr16-2090004-T-C.
Other names: c.665A>G, p.Gln222Arg (NM_001318193.2); c.506A>G, p.Gln169Arg (NM_001318194.2); short protein forms Q169R, Q279R, Q222R.
Identifiers: ClinVar variation 1464446 (VCV001464446.8), dbSNP rs2150937892, ClinGen allele CA394287324.

ClinVar aggregate classification (germline): Uncertain significance (1 of 4 stars; one submission).

Submission:

Labcorp Genetics (formerly Invitae), Labcorp
Classification: Uncertain significance. Last evaluated: 2022-08-31. Review status: criteria provided, single submitter. Criteria: Invitae Variant Classification Sherloc (09022015). Collection method: clinical testing. Allele origin: germline.
Comment: This variant is not present in population databases (gnomAD no frequency). This variant has not been reported in the literature in individuals affected with NTHL1-related conditions. ClinVar contains an entry for this variant (Variation ID: 1464446). Algorithms developed to predict the effect of missense changes on protein structure and function are either unavailable or do not agree on the potential impact of this missense change (SIFT: "Not Available"; PolyPhen-2: "Possibly Damaging"; Align-GVGD: "Not Available"). Experimental studies have shown that this missense change does not substantially affect NTHL1 function (PMID: 28292631). In summary, the available evidence is currently insufficient to determine the role of this variant in disease. Therefore, it has been classified as a Variant of Uncertain Significance. This sequence change replaces glutamine, which is neutral and polar, with arginine, which is basic and polar, at codon 287 of the NTHL1 protein (p.Gln287Arg).

Literature cited by the submitters: PubMed 28292631.